The following is an entry in ClinVar:

NM_033448.3(KRT71):c.913C>T (p.Arg305Cys)

Gene: KRT71 (keratin 71; minus strand). Cytogenetic location: 12q13.13.
Variant type: single nucleotide variant.
Coding change: c.913C>T on transcript NM_033448.3 (MANE Select); coding-DNA position 913, C replaced by T.
Protein change: p.Arg305Cys; replaces arginine 305 with cysteine.
Molecular consequence: missense variant.
Genome position (GRCh38, 1-based): chr12:52,548,217, G>A on the plus strand (C>T on the coding strand, the complement: KRT71 is on the minus strand). VCF-style: chr12-52548217-G-A. GRCh37 (hg19) VCF-style: chr12-52942001-G-A.
Other names: short protein forms R305C.
Identifiers: ClinVar variation 787396 (VCV000787396.35), dbSNP rs34468387, ClinGen allele CA6583259.

ClinVar aggregate classification (germline): Benign/Likely benign. Review status: criteria provided, multiple submitters, no conflicts (2 of 4 stars). 5 submissions from 5 submitters: Benign (2); Likely benign (2). 1 of the submissions does not count toward it. Last evaluated 2026-01-21.

Conditions:
KRT71-related disorder. Also called: KRT71-related condition.

Allele frequency attached by ClinVar (database versions not stated): gnomAD exomes 0.00254 and 0.00280; ExAC 0.00266; 1000 Genomes Project 30x 0.00281; 1000 Genomes Project 0.00300; gnomAD 0.00414 and 0.00434; ESP Exome Variant Server 0.00477; TOPMed 0.00490.
gnomAD v4.1: 4,393 of 1,614,190 alleles (0.27%); highest among the groups gnomAD compares: African/African-American, 0.83%; 8 homozygotes.

Submissions (5):

Labcorp Genetics (formerly Invitae), Labcorp
Classification: Benign. Last evaluated: 2026-01-21. Review status: criteria provided, single submitter. Criteria: Invitae Variant Classification Sherloc (09022015). Collection method: clinical testing. Allele origin: germline.

Blueprint Genetics
Classification: Likely benign. Last evaluated: 2024-11-27. Review status: criteria provided, single submitter. Criteria: ACMG Guidelines, 2015. Collection method: clinical testing. Allele origin: germline.

CeGaT Center for Human Genetics Tuebingen
Classification: Likely benign. Last evaluated: 2022-11-01. Review status: criteria provided, single submitter. Criteria: CeGaT Center For Human Genetics Tuebingen Variant Classification Criteria Version 2. Collection method: clinical testing. Allele origin: germline. Affected: yes. Observed: 1 variant allele.
Comment: KRT71: BS2

Breakthrough Genomics
Classification: Benign. Review status: criteria provided, single submitter. Criteria: ACMG Guidelines, 2015. Collection method: not provided. Allele origin: germline. Inheritance: Autosomal dominant inheritance. Affected: yes.

PreventionGenetics, part of Exact Sciences
Classification: Benign for KRT71-related condition. Last evaluated: 2019-08-30. Review status: no assertion criteria provided. Collection method: clinical testing. Allele origin: germline. Not counted in ClinVar's aggregate classification.
Comment: This variant is classified as benign based on ACMG/AMP sequence variant interpretation guidelines (Richards et al. 2015 PMID: 25741868, with internal and published modifications).